The following is an entry in ClinVar:

ClinVar aggregate classification (germline): Benign. Review status: criteria provided, single submitter (1 of 4 stars). 2 submissions from 2 submitters: Benign (1). 1 of the submissions does not count toward it. Last evaluated 2025-07-03.

Conditions:
FBXO38-related disorder. Also called: FBXO38-related condition.
Distal hereditary motor neuropathy type 2. Identifiers: Orphanet 139525, MedGen C3711384, MeSH C580044, MONDO:0015352.

Allele frequency attached by ClinVar (database versions not stated): gnomAD exomes 0.00002 and 0.00007; ExAC 0.00006; ESP Exome Variant Server 0.00015; gnomAD 0.00026 and 0.00029; TOPMed 0.00035.
gnomAD v4.1: 74 of 1,613,274 alleles (0.0046%); highest among the groups gnomAD compares: African/African-American, 0.088%; no homozygotes.

Submissions (2):

Labcorp Genetics (formerly Invitae), Labcorp
Classification: Benign for Distal hereditary motor neuropathy type 2. Last evaluated: 2025-07-03. Review status: criteria provided, single submitter. Criteria: Invitae Variant Classification Sherloc (09022015). Collection method: clinical testing. Allele origin: germline.

PreventionGenetics, part of Exact Sciences
Classification: Likely benign for FBXO38-related condition. Last evaluated: 2019-08-13. Review status: no assertion criteria provided. Collection method: clinical testing. Allele origin: germline. Not counted in ClinVar's aggregate classification.
Comment: This variant is classified as likely benign based on ACMG/AMP sequence variant interpretation guidelines (Richards et al. 2015 PMID: 25741868, with internal and published modifications).

NM_205836.3(FBXO38):c.504T>C (p.Phe168=)

Gene: FBXO38 (F-box protein 38; plus strand). Cytogenetic location: 5q32.
Variant type: single nucleotide variant.
Coding change: c.504T>C on transcript NM_205836.3 (MANE Select); coding-DNA position 504, T replaced by C.
Protein change: p.Phe168=; no amino-acid change (phenylalanine 168 retained).
Molecular consequence: synonymous variant.
Genome position (GRCh38, 1-based): chr5:148,402,425, T>C. VCF-style: chr5-148402425-T-C. GRCh37 (hg19) VCF-style: chr5-147781988-T-C.
Other names: c.504T>C, p.Phe168= (NM_001271723.2, NM_030793.5); c.504T>C (NM_030793.4).
Identifiers: ClinVar variation 1165905 (VCV001165905.12), dbSNP rs377754520, ClinGen allele CA3497046.